The following is an entry in ClinVar:

ClinVar aggregate classification (germline): Uncertain significance (1 of 4 stars; one submission).

Conditions:
Developmental and epileptic encephalopathy. Identifiers: MedGen C5779964, MONDO:0100620.

Allele frequency attached by ClinVar (database versions not stated): TOPMed below 0.00001; gnomAD exomes 0.00001.
gnomAD v4.1: 11 of 1,613,758 alleles (0.00068%); highest among the groups gnomAD compares: African/African-American, 0.0013%; no homozygotes.

Submission:

Labcorp Genetics (formerly Invitae), Labcorp
Classification: Uncertain significance for Early-infantile DEE. Last evaluated: 2021-08-20. Review status: criteria provided, single submitter. Criteria: Invitae Variant Classification Sherloc (09022015). Collection method: clinical testing. Allele origin: germline.
Comment: This sequence change replaces valine with isoleucine at codon 817 of the CACNA2D2 protein (p.Val817Ile). The valine residue is highly conserved and there is a small physicochemical difference between valine and isoleucine. This variant is not present in population databases (ExAC no frequency). This variant has not been reported in the literature in individuals affected with CACNA2D2-related conditions. Algorithms developed to predict the effect of missense changes on protein structure and function (SIFT, PolyPhen-2, Align-GVGD) all suggest that this variant is likely to be disruptive. In summary, the available evidence is currently insufficient to determine the role of this variant in disease. Therefore, it has been classified as a Variant of Uncertain Significance.

NM_006030.4(CACNA2D2):c.2449G>A (p.Val817Ile)

Genes: CACNA2D2 (calcium voltage-gated channel auxiliary subunit alpha2delta 2; minus strand), LOC101928965 (uncharacterized LOC101928965; plus strand), LOC127898564 (CYB561D2-LOC101928965; plus strand). Cytogenetic location: 3p21.31.
Variant type: single nucleotide variant.
Coding change: c.2449G>A on transcript NM_006030.4 (MANE Select); coding-DNA position 2449, G replaced by A.
Protein change: p.Val817Ile; replaces valine 817 with isoleucine.
Molecular consequence: missense variant.
Genome position (GRCh38, 1-based): chr3:50,367,062, C>T on the plus strand (G>A on the coding strand, the complement: CACNA2D2 is on the minus strand). VCF-style: chr3-50367062-C-T. GRCh37 (hg19) VCF-style: chr3-50404493-C-T.
Other names: c.2449G>A, p.Val817Ile (NM_001005505.3); c.2470G>A, p.Val824Ile (NM_001174051.3); c.2242G>A, p.Val748Ile (NM_001291101.1); short protein forms V748I, V817I, V824I.
Identifiers: ClinVar variation 655011 (VCV000655011.4), dbSNP rs1346736959, ClinGen allele CA352912004.